The following is an entry in ClinVar:

ClinVar aggregate classification (germline): Uncertain significance (1 of 4 stars; one submission).

Submission:

Labcorp Genetics (formerly Invitae), Labcorp
Classification: Uncertain significance. Last evaluated: 2024-01-10. Review status: criteria provided, single submitter. Criteria: Invitae Variant Classification Sherloc (09022015). Collection method: clinical testing. Allele origin: unknown.
Comment: This variant results in a copy number gain of the genomic region encompassing exon(s) 2-4 of the SETBP1 gene. This region includes the initiator codon of the gene. This copy number gain extends beyond the assayed region for this gene and therefore may encompass additional genes. As the precise location of this event is unknown, it may be in tandem or it may be located elsewhere in the genome. This variant has not been reported in the literature in individuals affected with SETBP1-related conditions. Experimental studies and prediction algorithms are not available or were not evaluated, and the functional significance of this variant is currently unknown. In summary, the available evidence is currently insufficient to determine the role of this variant in disease. Therefore, it has been classified as a Variant of Uncertain Significance.

NC_000018.9:g.(?_42281312)_(42533325_?)dup

Gene: SETBP1 (SET binding protein 1; plus strand). Cytogenetic location: 18q12.3.
Variant type: Duplication.
Identifiers: ClinVar variation 3242810 (VCV003242810.1).